The following is an entry in ClinVar:

NM_176824.3(BBS7):c.986_988del (p.Gly329del)

Gene: BBS7 (Bardet-Biedl syndrome 7; minus strand). Cytogenetic location: 4q27.
Variant type: Deletion.
Coding change: c.986_988del on transcript NM_176824.3 (MANE Select); coding-DNA positions 986 to 988, 3 bases deleted (GAG; older notation c.986_988delGAG).
Protein change: p.Gly329del; deletes glycine 329.
Molecular consequence: inframe deletion.
Genome position (GRCh38, 1-based): chr4:121,847,453-121,847,455, CTC deleted on the plus strand (GAG on the coding strand, the reverse complement: BBS7 is on the minus strand); deleting any 3 consecutive bases within chr4:121,847,453-121,847,457 gives the same sequence; the c. name uses the placement nearest the transcript's 3' end. VCF-style (leftmost placement, unchanged base first): chr4-121847452-TCTC-T. GRCh37 (hg19) VCF-style: chr4-122768607-TCTC-T.
Other names: c.986_988del, p.Gly329del (NM_018190.4); short protein forms G329del.
Identifiers: ClinVar variation 3346682 (VCV003346682.1).
Genomic context (GRCh38, chr4:121,847,452, plus strand): 5'-ACTCAAAGTTACCGTAAGGAAGAAATTTTATTCTGCATCTCCTGATTAATTTTTAGTTCT[TCTC>T]CTGGTCCACTTTCCTTATGAATGGGCTCTGTTGTCAGACCTGTAACCCAGCCTGTAGAGA-3'

ClinVar aggregate classification (germline): Uncertain significance (0 of 4 stars; one submission).

Conditions:
BBS7-related disorder. Also called: BBS7-related condition.

Submission:

PreventionGenetics, part of Exact Sciences
Classification: Uncertain significance for BBS7-related condition. Last evaluated: 2024-05-08. Review status: no assertion criteria provided. Collection method: clinical testing. Allele origin: germline.
Comment: The BBS7 c.986_988delGAG variant is predicted to result in an in-frame deletion (p.Gly329del). To our knowledge, this variant has not been reported in the literature or in gnomAD, indicating this variant is rare. At this time, the clinical significance of this variant is uncertain due to the absence of conclusive functional and genetic evidence.